The following is an entry in ClinVar:

ClinVar aggregate classification (germline): Uncertain significance (1 of 4 stars; one submission).

gnomAD v4.1: 52 of 1,614,054 alleles (0.0032%); highest among the groups gnomAD compares: Non-Finnish European, 0.0041%; no homozygotes.

Submission:

CeGaT Center for Human Genetics Tuebingen
Classification: Uncertain significance. Last evaluated: 2025-09-01. Review status: criteria provided, single submitter. Criteria: CeGaT Center For Human Genetics Tuebingen Variant Classification Criteria Version 2. Collection method: clinical testing. Allele origin: germline. Affected: yes. Observed: 1 variant allele.
Comment: DSPP: PVS1:Strong

NM_014208.3(DSPP):c.1289C>G (p.Ser430Ter)

Genes: DMP1-AS1 (DMP1 and DSPP antisense RNA 1; minus strand), DSPP (dentin sialophosphoprotein; plus strand). Cytogenetic location: 4q22.1.
Variant type: single nucleotide variant.
Coding change: c.1289C>G on transcript NM_014208.3 (MANE Select); coding-DNA position 1289, C replaced by G.
Protein change: p.Ser430Ter; replaces serine 430 with a stop codon.
Molecular consequence: nonsense.
Genome position (GRCh38, 1-based): chr4:87,613,951, C>G. VCF-style: chr4-87613951-C-G. GRCh37 (hg19) VCF-style: chr4-88535103-C-G.
Other names: short protein forms S430*.
Identifiers: ClinVar variation 4280946 (VCV004280946.7).